The following is an entry in ClinVar:

ClinVar aggregate classification (germline): Likely benign. Review status: criteria provided, single submitter (1 of 4 stars). 2 submissions from 2 submitters: Likely benign (1). 1 of the submissions does not count toward it. Last evaluated 2025-12-30.

Conditions:
Blau syndrome (BLAUS). Also called: ARTHROCUTANEOUVEAL GRANULOMATOSIS; GRANULOMATOSIS, FAMILIAL JUVENILE SYSTEMIC; GRANULOMATOSIS, FAMILIAL, BLAU TYPE; GRANULOMATOUS INFLAMMATORY ARTHRITIS, DERMATITIS, AND UVEITIS, FAMILIAL; JABS SYNDROME. Identifiers: Orphanet 90340, MedGen C5201146, MONDO:0008523, OMIM 186580.
Regional enteritis. Also called: Enteritis, Granulomatous. Identifiers: MedGen C0678202, MeSH D003424.

Allele frequency attached by ClinVar (database versions not stated): gnomAD 0.00005 and 0.00006; gnomAD exomes 0.00005 and 0.00013; TOPMed 0.00007; ExAC 0.00009; ESP Exome Variant Server 0.00023.
gnomAD v4.1: 83 of 1,613,028 alleles (0.0051%); highest among the groups gnomAD compares: Admixed American, 0.0083%; no homozygotes.

Submissions (2):

Labcorp Genetics (formerly Invitae), Labcorp
Classification: Likely benign for Regional enteritis; Blau syndrome. Last evaluated: 2025-12-30. Review status: criteria provided, single submitter. Criteria: Invitae Variant Classification Sherloc (09022015). Collection method: clinical testing. Allele origin: germline.

Unité médicale des maladies autoinflammatoires, CHRU Montpellier
No classification provided. Condition: Sarcoidosis, early-onset. Review status: no classification provided. Collection method: not provided. Allele origin: unknown. Not counted in ClinVar's aggregate classification.
Comment: also involved in OMIM 186580 and 266600

NM_001370466.1(NOD2):c.388T>C (p.Trp130Arg)

Gene: NOD2 (nucleotide binding oligomerization domain containing 2; plus strand). Cytogenetic location: 16q12.1.
Variant type: single nucleotide variant.
Coding change: c.388T>C on transcript NM_001370466.1 (MANE Select); coding-DNA position 388, T replaced by C.
Protein change: p.Trp130Arg; replaces tryptophan 130 with arginine.
Molecular consequence: missense variant. On other transcripts: non-coding transcript variant (1).
Genome position (GRCh38, 1-based): chr16:50,699,883, T>C. VCF-style: chr16-50699883-T-C. GRCh37 (hg19) VCF-style: chr16-50733794-T-C.
Other names: c.469T>C (LRG_177t1); c.388T>C, p.Trp130Arg (NM_001293557.2); c.469T>C, p.Trp157Arg (NM_022162.3); short protein forms W157R, W130R.
Identifiers: ClinVar variation 97878 (VCV000097878.8), dbSNP rs104895420, ClinGen allele CA150336.